The following is an entry in ClinVar:

ClinVar aggregate classification (germline): Uncertain significance (1 of 4 stars; one submission).

Allele frequency attached by ClinVar (database versions not stated): ExAC 0.00002; gnomAD exomes 0.00003.
gnomAD v4.1: 40 of 1,613,862 alleles (0.0025%); highest among the groups gnomAD compares: Admixed American, 0.0033%; no homozygotes.

Submission:

Labcorp Genetics (formerly Invitae), Labcorp
Classification: Uncertain significance. Last evaluated: 2021-04-02. Review status: criteria provided, single submitter. Criteria: Invitae Variant Classification Sherloc (09022015). Collection method: clinical testing. Allele origin: germline.
Comment: This variant has not been reported in the literature in individuals with LARS2-related conditions. This variant is present in population databases (rs764747411, ExAC 0.009%). This sequence change replaces arginine with cysteine at codon 228 of the LARS2 protein (p.Arg228Cys). The arginine residue is highly conserved and there is a large physicochemical difference between arginine and cysteine. In summary, the available evidence is currently insufficient to determine the role of this variant in disease. Therefore, it has been classified as a Variant of Uncertain Significance. Algorithms developed to predict the effect of missense changes on protein structure and function (SIFT, PolyPhen-2, Align-GVGD) all suggest that this variant is likely to be disruptive, but these predictions have not been confirmed by published functional studies and their clinical significance is uncertain.

NM_015340.4(LARS2):c.682C>T (p.Arg228Cys)

Gene: LARS2 (leucyl-tRNA synthetase 2, mitochondrial; plus strand). Cytogenetic location: 3p21.31.
Variant type: single nucleotide variant.
Coding change: c.682C>T on transcript NM_015340.4 (MANE Select); coding-DNA position 682, C replaced by T.
Protein change: p.Arg228Cys; replaces arginine 228 with cysteine.
Molecular consequence: missense variant.
Genome position (GRCh38, 1-based): chr3:45,458,818, C>T. VCF-style: chr3-45458818-C-T. GRCh37 (hg19) VCF-style: chr3-45500310-C-T.
Other names: c.682C>T, p.Arg228Cys (NM_001368263.1); short protein forms R228C.
Identifiers: ClinVar variation 1358889 (VCV001358889.8), dbSNP rs764747411, ClinGen allele CA2349388.